The following is an entry in ClinVar:

ClinVar aggregate classification (germline): Conflicting classifications of pathogenicity. Review status: criteria provided, conflicting classifications (1 of 4 stars). 2 submissions from 2 submitters: Uncertain significance (1); Likely benign (1). Last evaluated 2024-11-09.

Conditions:
Hereditary cancer-predisposing syndrome. Also called: Neoplastic Syndromes, Hereditary; Hereditary neoplastic syndrome; Hereditary Cancer Syndrome; Tumor predisposition. Identifiers: Orphanet 140162, MedGen C0027672, MeSH D009386, MONDO:0015356.

gnomAD v4.1: 3 of 1,611,604 alleles (0.00019%); highest among the groups gnomAD compares: Non-Finnish European, 0.00025%; no homozygotes.

Submissions (2):

Labcorp Genetics (formerly Invitae), Labcorp
Classification: Likely benign. Last evaluated: 2024-11-09. Review status: criteria provided, single submitter. Criteria: Invitae Variant Classification Sherloc (09022015). Collection method: clinical testing. Allele origin: germline.

Ambry Genetics
Classification: Uncertain significance for Hereditary cancer-predisposing syndrome. Last evaluated: 2024-07-24. Review status: criteria provided, single submitter. Criteria: Ambry Variant Classification Scheme 2023. Collection method: clinical testing. Allele origin: germline.
Comment: The c.1297-5T>C intronic variant results from a T to C substitution 5 nucleotides upstream from coding exon 9 in the CTNNA1 gene. This nucleotide position is well conserved in available vertebrate species. In silico splice site analysis predicts that this alteration will not have any significant effect on splicing. The evidence for this gene-disease relationship is limited; therefore, the clinical significance of this alteration is unclear.

NM_001903.5(CTNNA1):c.1297-5T>C

Gene: CTNNA1 (catenin alpha 1; plus strand). Cytogenetic location: 5q31.2.
Variant type: single nucleotide variant.
Coding change: c.1297-5T>C on transcript NM_001903.5 (MANE Select); 5 bases into the intron before coding-DNA position 1297, T replaced by C.
Molecular consequence: intron variant.
Genome position (GRCh38, 1-based): chr5:138,904,344, T>C. VCF-style: chr5-138904344-T-C. GRCh37 (hg19) VCF-style: chr5-138240033-T-C.
Other names: c.1297-5T>C (NM_001323982.2, NM_001323984.2, NM_001290307.3 and 2 more transcripts); c.1297-13398T>C (NM_001323986.2); c.928-5T>C (NM_001290310.3); c.988-5T>C (NM_001290309.3); c.187-5T>C (NM_001323996.1, NM_001323993.1, NM_001324005.1 and 17 more transcripts); c.-211-5T>C (NM_001324007.1, NM_001324009.1, NM_001324006.1 and 1 more transcripts); c.-57-5T>C (NM_001324013.1, NM_001324012.1); c.187-13398T>C (NM_001324011.1); and 1 more.
Identifiers: ClinVar variation 1624108 (VCV001624108.11), dbSNP rs2150140026, ClinGen allele CA2573139126.
Genomic context (GRCh38, chr5:138,904,344, plus strand): 5'-GTGTGTGTTTTTTCCTTAGCAGTCAAAAGAGAAAAATCTTTAAAGATTATTTTTTATGTT[T>C]ATAGGTTGCCAACTTGGCCTGTTCCATCTCAAATAATGAAGAAGGTGTAAAGCTTGTTCG-3'